The following is an entry in ClinVar:

ClinVar aggregate classification (germline): Pathogenic (1 of 4 stars; one submission).

Conditions:
Methylcobalamin deficiency type cblE (HMAE). Also called: VITAMIN B12-RESPONSIVE HOMOCYSTINURIA, cblE TYPE; HOMOCYSTINURIA-MEGALOBLASTIC ANEMIA, cblE COMPLEMENTATION TYPE; HOMOCYSTINURIA-MEGALOBLASTIC ANEMIA, cblE TYPE. Identifiers: Orphanet 2169, Orphanet 622, MedGen C1856057, MONDO:0009354, OMIM 236270.

Submission:

Labcorp Genetics (formerly Invitae), Labcorp
Classification: Pathogenic for Methylcobalamin deficiency type cblE. Last evaluated: 2025-03-17. Review status: criteria provided, single submitter. Criteria: Invitae Variant Classification Sherloc (09022015). Collection method: clinical testing. Allele origin: germline.
Comment: This sequence change creates a premature translational stop signal (p.Tyr307*) in the MTRR gene. It is expected to result in an absent or disrupted protein product. Loss-of-function variants in MTRR are known to be pathogenic (PMID: 15714522). This variant is not present in population databases (gnomAD no frequency). This variant has not been reported in the literature in individuals affected with MTRR-related conditions. ClinVar contains an entry for this variant (Variation ID: 2035984). For these reasons, this variant has been classified as Pathogenic.

Literature cited by the submitters: PubMed 15714522.

NM_002454.3(MTRR):c.920dup (p.Tyr307Ter)

Gene: MTRR (5-methyltetrahydrofolate-homocysteine methyltransferase reductase; plus strand). Cytogenetic location: 5p15.31.
Variant type: Duplication.
Coding change: c.920dup on transcript NM_002454.3 (MANE Select); coding-DNA position 920, one base duplicated (A; older notation c.920dupA).
Protein change: p.Tyr307Ter; replaces tyrosine 307 with a stop codon.
Molecular consequence: nonsense. On other transcripts: non-coding transcript variant (14).
Genome position (GRCh38, 1-based): chr5:7,885,717, A duplicated. VCF-style (leftmost placement, unchanged base first): chr5-7885716-T-TA. GRCh37 (hg19) VCF-style: chr5-7885829-T-TA.
Other names: c.920dup, p.Tyr307Ter (NM_001364440.2, NM_001364441.2, NM_001364442.2 and 1 more transcripts); short protein forms Y307*.
Identifiers: ClinVar variation 2035984 (VCV002035984.4), dbSNP rs2478942663, ClinGen allele CA2580073154.